The following is an entry in ClinVar:

ClinVar aggregate classification (germline): Uncertain significance (1 of 4 stars; one submission).

Conditions:
Inborn genetic diseases. Identifiers: MedGen C0950123, MeSH D030342.

Submission:

Ambry Genetics
Classification: Uncertain significance for Inborn genetic diseases. Last evaluated: 2024-12-14. Review status: criteria provided, single submitter. Criteria: Ambry Variant Classification Scheme 2023. Collection method: clinical testing. Allele origin: germline.
Comment: The p.Q1715K variant (also known as c.5143C>A), located in coding exon 20 of the FANCM gene, results from a C to A substitution at nucleotide position 5143. The glutamine at codon 1715 is replaced by lysine, an amino acid with similar properties. This amino acid position is conserved. In addition, this alteration is predicted to be tolerated by in silico analysis. Based on the available evidence, the clinical significance of this variant remains unclear.

NM_020937.4(FANCM):c.5143C>A (p.Gln1715Lys)

Gene: FANCM (FA complementation group M; plus strand). Cytogenetic location: 14q21.2.
Variant type: single nucleotide variant.
Coding change: c.5143C>A on transcript NM_020937.4 (MANE Select); coding-DNA position 5143, C replaced by A.
Protein change: p.Gln1715Lys; replaces glutamine 1715 with lysine.
Molecular consequence: missense variant.
Genome position (GRCh38, 1-based): chr14:45,189,165, C>A. VCF-style: chr14-45189165-C-A. GRCh37 (hg19) VCF-style: chr14-45658368-C-A.
Other names: c.5065C>A, p.Gln1689Lys (NM_001308133.2); short protein forms Q1715K, Q1689K.
Identifiers: ClinVar variation 3848492 (VCV003848492.1).